The following is an entry in ClinVar:

ClinVar aggregate classification (germline): Uncertain significance (1 of 4 stars; one submission).

Submission:

Labcorp Genetics (formerly Invitae), Labcorp
Classification: Uncertain significance. Last evaluated: 2023-11-19. Review status: criteria provided, single submitter. Criteria: Invitae Variant Classification Sherloc (09022015). Collection method: clinical testing. Allele origin: germline.
Comment: This variant, c.377_379dup, results in the insertion of 1 amino acid(s) of the NLRP1 protein (p.Ala126dup), but otherwise preserves the integrity of the reading frame. This variant is present in population databases (no rsID available, gnomAD 0.01%). This variant has not been reported in the literature in individuals affected with NLRP1-related conditions. In summary, the available evidence is currently insufficient to determine the role of this variant in disease. Therefore, it has been classified as a Variant of Uncertain Significance.

NM_033004.4(NLRP1):c.374CGG[3] (p.Ala126_Gly127insAla)

Gene: NLRP1 (NLR family pyrin domain containing 1; minus strand). Cytogenetic location: 17p13.2.
Variant type: Microsatellite.
Coding change: c.374CGG[3] on transcript NM_033004.4 (MANE Select); three copies in a row of the 3-base unit CGG starting at c.374; the reference has two copies in a row; one copy, 3 bases duplicated.
Protein change: p.Ala126_Gly127insAla.
Molecular consequence: inframe insertion.
Genome position (GRCh38, 1-based): chr17:5,582,739-5,582,741, CCG duplicated on the plus strand (CGG on the coding strand, the reverse complement: NLRP1 is on the minus strand); duplicating any 3 consecutive bases within chr17:5,582,739-5,582,744 gives the same sequence; the position shown is the placement nearest the transcript's 3' end. VCF-style (leftmost placement, unchanged base first): chr17-5582738-C-CCCG. GRCh37 (hg19) VCF-style: chr17-5486058-C-CCCG.
Other names: c.374CGG[3], p.Ala126_Gly127insAla (NM_001033053.3, NM_014922.5, NM_033006.4 and 1 more transcripts).
Identifiers: ClinVar variation 2697425 (VCV002697425.3), dbSNP rs1366178264, ClinGen allele CA624858985.